The following is an entry in ClinVar:

ClinVar aggregate classification (germline): Conflicting classifications of pathogenicity. Review status: criteria provided, conflicting classifications (1 of 4 stars). 6 submissions from 6 submitters: Uncertain significance (5); Likely benign (1). Last evaluated 2025-12-08.

Conditions:
Cardiovascular phenotype. Identifiers: MedGen CN230736.
Cardiomyopathy (CMYO). Also called: Cardiomyopathies. Identifiers: Orphanet 167848, MedGen C0878544, MONDO:0004994, HP:0001638. Inheritance: Various modes of inheritance.
Catecholaminergic polymorphic ventricular tachycardia 1. Also called: VENTRICULAR TACHYCARDIA, CATECHOLAMINERGIC POLYMORPHIC, 1, WITH OR WITHOUT ATRIAL DYSFUNCTION AND/OR DILATED CARDIOMYOPATHY; VENTRICULAR TACHYCARDIA, STRESS-INDUCED POLYMORPHIC 1; RYR2-Related Catecholaminergic Polymorphic Ventricular Tachycardia. Identifiers: Orphanet 3286, MedGen C1631597, MONDO:0011484, OMIM 604772.
Catecholaminergic polymorphic ventricular tachycardia (CVPT). Also called: Catecholamine-induced polymorphic ventricular tachycardia. Identifiers: Orphanet 3286, MedGen C5574922, MONDO:0017990.

Allele frequency attached by ClinVar (database versions not stated): ExAC 0.00001; TOPMed 0.00001; gnomAD exomes 0.00002 and 0.00004; gnomAD 0.00003.
gnomAD v4.1: 26 of 1,613,452 alleles (0.0016%); highest among the groups gnomAD compares: East Asian, 0.013%; no homozygotes.

Submissions (6):

Labcorp Genetics (formerly Invitae), Labcorp
Classification: Uncertain significance for Catecholaminergic polymorphic ventricular tachycardia 1. Last evaluated: 2025-12-08. Review status: criteria provided, single submitter. Criteria: Invitae Variant Classification Sherloc (09022015). Collection method: clinical testing. Allele origin: germline.
Comment: This sequence change replaces lysine, which is basic and polar, with arginine, which is basic and polar, at codon 2053 of the RYR2 protein (p.Lys2053Arg). This variant is present in population databases (rs771590345, gnomAD 0.006%). This missense change has been observed in individual(s) with RYR2-related conditions (PMID: 37589201). ClinVar contains an entry for this variant (Variation ID: 440247). Invitae Evidence Modeling of protein sequence and biophysical properties (such as structural, functional, and spatial information, amino acid conservation, physicochemical variation, residue mobility, and thermodynamic stability) indicates that this missense variant is not expected to disrupt RYR2 protein function with a negative predictive value of 95%. In summary, the available evidence is currently insufficient to determine the role of this variant in disease. Therefore, it has been classified as a Variant of Uncertain Significance.

Molecular Diagnostic Laboratory for Inherited Cardiovascular Disease, Montreal Heart Institute
Classification: Uncertain significance for Cardiovascular phenotype. Last evaluated: 2025-04-09. Review status: criteria provided, single submitter. Criteria: ACMG Guidelines, 2015. Collection method: clinical testing. Allele origin: germline. Affected: yes.
Comment: PM2;PP2;BP4

Ambry Genetics
Classification: Likely benign for Cardiovascular phenotype. Last evaluated: 2024-12-10. Review status: criteria provided, single submitter. Criteria: Ambry Variant Classification Scheme 2023. Collection method: clinical testing. Allele origin: germline.

All of Us Research Program, National Institutes of Health
Classification: Uncertain significance for Catecholaminergic polymorphic ventricular tachycardia. Last evaluated: 2024-07-20. Review status: criteria provided, single submitter. Criteria: ACMG Guidelines, 2015. Collection method: clinical testing. Allele origin: germline. Inheritance: Autosomal dominant inheritance. Observed: 3 variant alleles, 3 heterozygotes.
Comment: This missense variant replaces lysine with arginine at codon 2053 of the RYR2 protein. Computational prediction suggests that this variant may not impact protein structure and function (internally defined REVEL score threshold <= 0.5, PMID: 27666373). To our knowledge, functional studies have not been reported for this variant. This variant has been reported in an individual who experienced sudden unexplained death in childhood, as well as in the asymptomatic mother who demonstrated a normal echocardiogram and lack of EST-induced arrhythmias (PMID: 37589201). This variant has been identified in 6/248400 chromosomes in the general population by the Genome Aggregation Database (gnomAD). The available evidence is insufficient to determine the role of this variant in disease conclusively. Therefore, this variant is classified as a Variant of Uncertain Significance.

This study involves interpretation of variants in research participants for the purpose of population health screening. Participant phenotype was not available at the time of variant classification. Additional details can be found in publication PMID: 35346344, PMCID: PMC8962531

Color Diagnostics, LLC DBA Color Health
Classification: Uncertain significance for Cardiomyopathy. Last evaluated: 2024-07-15. Review status: criteria provided, single submitter. Criteria: ACMG Guidelines, 2015. Collection method: clinical testing. Allele origin: germline.
Comment: This missense variant replaces lysine with arginine at codon 2053 of the RYR2 protein. Computational prediction suggests that this variant may not impact protein structure and function (internally defined REVEL score threshold <= 0.5, PMID: 27666373). To our knowledge, functional studies have not been reported for this variant. This variant has been reported in an individual who experienced sudden unexplained death in childhood, as well as in the asymptomatic mother who demonstrated a normal echocardiogram and lack of EST-induced arrhythmias (PMID: 37589201). This variant has been identified in 6/248400 chromosomes in the general population by the Genome Aggregation Database (gnomAD). The available evidence is insufficient to determine the role of this variant in disease conclusively. Therefore, this variant is classified as a Variant of Uncertain Significance.

ARUP Laboratories, Molecular Genetics and Genomics, ARUP Laboratories
Classification: Uncertain significance. Last evaluated: 2016-11-16. Review status: criteria provided, single submitter. Criteria: ARUP Molecular Germline Variant Investigation Process. Collection method: clinical testing. Allele origin: germline.

Literature cited by the submitters: PubMed 37589201 (cited by 3 submitters).

NM_001035.3(RYR2):c.6158A>G (p.Lys2053Arg)

Gene: RYR2 (ryanodine receptor 2; plus strand). Cytogenetic location: 1q43.
Variant type: single nucleotide variant.
Coding change: c.6158A>G on transcript NM_001035.3 (MANE Select); coding-DNA position 6158, A replaced by G.
Protein change: p.Lys2053Arg; replaces lysine 2053 with arginine.
Molecular consequence: missense variant.
Genome position (GRCh38, 1-based): chr1:237,625,796, A>G. VCF-style: chr1-237625796-A-G. GRCh37 (hg19) VCF-style: chr1-237789096-A-G.
Other names: c.6158A>G, p.Lys2053Arg (LRG_402t1); short protein forms K2053R.
Identifiers: ClinVar variation 440247 (VCV000440247.24), dbSNP rs771590345, ClinGen allele CA087055.
Genomic context (GRCh38, chr1:237,625,796, plus strand): 5'-TAGAAAAGGTGACATATCTGAAGAAGAAGCAAGCAGAAAAACCAGTTGAGAGTGACTCCA[A>G]AAAGTCCTGTAAGCAGTATGAGAGTGCACTGGCAGAATGACCCAACTGCTGACACTTAAC-3'
Protein context (NP_001026.2, residues 2043-2063): QAEKPVESDS[Lys2053Arg]KSSTLQQLIS